The following is an entry in ClinVar:

ClinVar aggregate classification (germline): Uncertain significance. Review status: criteria provided, single submitter (1 of 4 stars). 2 submissions from 2 submitters: Uncertain significance (1). 1 of the submissions does not count toward it. Last evaluated 2024-08-27.

Allele frequency attached by ClinVar (database versions not stated): gnomAD 0.00001; TOPMed 0.00001.
gnomAD v4.1: 1 of 1,614,000 alleles (0.000062%); highest among the groups gnomAD compares: African/African-American, 0.0013%; no homozygotes.

Submissions (2):

Labcorp Genetics (formerly Invitae), Labcorp
Classification: Uncertain significance. Last evaluated: 2024-08-27. Review status: criteria provided, single submitter. Criteria: Invitae Variant Classification Sherloc (09022015). Collection method: clinical testing. Allele origin: germline.
Comment: This sequence change replaces glycine, which is neutral and non-polar, with glutamic acid, which is acidic and polar, at codon 361 of the COL9A2 protein (p.Gly361Glu). This variant is present in population databases (no rsID available, gnomAD 0.01%). This variant has not been reported in the literature in individuals affected with COL9A2-related conditions. ClinVar contains an entry for this variant (Variation ID: 1050491). An algorithm developed to predict the effect of missense changes on protein structure and function (PolyPhen-2) suggests that this variant is likely to be disruptive. In summary, the available evidence is currently insufficient to determine the role of this variant in disease. Therefore, it has been classified as a Variant of Uncertain Significance.

Department of Pathology and Laboratory Medicine, Sinai Health System
Classification: Uncertain significance. Review status: no assertion criteria provided. Collection method: clinical testing. Allele origin: unknown. Affected: yes. Study: The Canadian Open Genetics Repository (COGR). Not counted in ClinVar's aggregate classification.
Comment: The COL9A2 p.Gly361Glu variant was not identified in the literature nor was it identified in ClinVar or LOVD 3.0. The variant was identified in dbSNP (ID: rs1159293268) and in control databases in 1 of 31384 chromosomes at a frequency of 0.00003186 (Genome Aggregation Database March 6, 2019, v2.1.1). The variant was observed in the African population in 1 of 8710 chromosomes (freq: 0.000115), but was not observed in the Latino, Ashkenazi Jewish, East Asian, European (Finnish), European (non-Finnish), Other, or South Asian populations. The p.Gly361 residue is conserved across mammals and other organisms, and computational analyses (PolyPhen-2, SIFT, AlignGVGD, BLOSUM, MutationTaster) suggest that the variant may impact the protein; however, this information is not predictive enough to assume pathogenicity. The variant occurs outside of the splicing consensus sequence and in silico or computational prediction software programs (SpliceSiteFinder, MaxEntScan, NNSPLICE, GeneSplicer) do not predict a difference in splicing. In summary, based on the above information the clinical significance of this variant cannot be determined with certainty at this time. This variant is classified as a variant of uncertain significance.

NM_001852.4(COL9A2):c.1082G>A (p.Gly361Glu)

Gene: COL9A2 (collagen type IX alpha 2 chain; minus strand). Cytogenetic location: 1p34.2.
Variant type: single nucleotide variant.
Coding change: c.1082G>A on transcript NM_001852.4 (MANE Select); coding-DNA position 1082, G replaced by A.
Protein change: p.Gly361Glu; replaces glycine 361 with glutamic acid.
Molecular consequence: missense variant.
Genome position (GRCh38, 1-based): chr1:40,305,740, C>T on the plus strand (G>A on the coding strand, the complement: COL9A2 is on the minus strand). VCF-style: chr1-40305740-C-T. GRCh37 (hg19) VCF-style: chr1-40771412-C-T.
Other names: short protein forms G361E.
Identifiers: ClinVar variation 1050491 (VCV001050491.3), dbSNP rs1159293268, ClinGen allele CA339851077.